The following is an entry in ClinVar:

ClinVar aggregate classification (germline): Uncertain significance (1 of 4 stars; one submission).

Submission:

Labcorp Genetics (formerly Invitae), Labcorp
Classification: Uncertain significance. Last evaluated: 2024-10-07. Review status: criteria provided, single submitter. Criteria: Invitae Variant Classification Sherloc (09022015). Collection method: clinical testing. Allele origin: germline.
Comment: This sequence change replaces valine, which is neutral and non-polar, with glutamic acid, which is acidic and polar, at codon 166 of the COL4A1 protein (p.Val166Glu). This variant is not present in population databases (gnomAD no frequency). This variant has not been reported in the literature in individuals affected with COL4A1-related conditions. Invitae Evidence Modeling of protein sequence and biophysical properties (such as structural, functional, and spatial information, amino acid conservation, physicochemical variation, residue mobility, and thermodynamic stability) indicates that this missense variant is not expected to disrupt COL4A1 protein function with a negative predictive value of 95%. In summary, the available evidence is currently insufficient to determine the role of this variant in disease. Therefore, it has been classified as a Variant of Uncertain Significance.

NM_001845.6(COL4A1):c.497T>A (p.Val166Glu)

Gene: COL4A1 (collagen type IV alpha 1 chain; minus strand). Cytogenetic location: 13q34.
Variant type: single nucleotide variant.
Coding change: c.497T>A on transcript NM_001845.6 (MANE Select); coding-DNA position 497, T replaced by A.
Protein change: p.Val166Glu; replaces valine 166 with glutamic acid.
Molecular consequence: missense variant.
Genome position (GRCh38, 1-based): chr13:110,210,184, A>T on the plus strand (T>A on the coding strand, the complement: COL4A1 is on the minus strand). VCF-style: chr13-110210184-A-T. GRCh37 (hg19) VCF-style: chr13-110862531-A-T.
Other names: c.497T>A, p.Val166Glu (NM_001303110.2); short protein forms V166E.
Identifiers: ClinVar variation 3666332 (VCV003666332.2).
Genomic context (GRCh38, chr13:110,210,184, plus strand): 5'-CTTACTGGAGTCCCTGGGATTCCGGGAAATCCTCTTTCACCTTTCAACAGCATCCCGGGC[A>T]CATGGCCAAGTATCTCACCTGGATCACCCTAGAGGATGAAGAAAGAAAATAGAAAGTTGC-3'
Protein context (NP_001836.3, residues 156-176): KGDPGEILGH[Val166Glu]PGMLLKGERG